The following is an entry in ClinVar:

ClinVar aggregate classification (germline): Likely pathogenic (1 of 4 stars; one submission).

Conditions:
Primary hyperoxaluria, type I (HP1). Also called: GLYCOLIC ACIDURIA; HEPATIC AGT DEFICIENCY; OXALOSIS I; Primary hyperoxaluria type 1. Identifiers: Orphanet 416, Orphanet 93598, MedGen C0268164, MONDO:0009823, OMIM 259900. Disease mechanism: loss of function.

Submission:

Neuberg Centre For Genomic Medicine, NCGM
Classification: Likely pathogenic for Primary hyperoxaluria, type I. Review status: criteria provided, single submitter. Criteria: ACMG Guidelines, 2015. Collection method: clinical testing. Allele origin: germline. Inheritance: Autosomal recessive inheritance. Affected: yes.
Comment: The frameshift variant c.386_395del (p.Asp129AlafsTer22) in the AGXT gene has not been reported previously as a pathogenic variant nor as a benign variant, to our knowledge. The variant is novel (not in any individuals) in gnomAD Exomes and 1000 Genomes. This variant is predicted to cause loss of normal protein function through protein truncation. Loss of function variants have been previously reported to be disease causing. For these reasons, this variant has been classified as Likely Pathogenic.

NM_000030.3(AGXT):c.386_395del (p.Asp129fs)

Gene: AGXT (alanine--glyoxylate aminotransferase; plus strand). Cytogenetic location: 2q37.3.
Variant type: Deletion.
Coding change: c.386_395del on transcript NM_000030.3 (MANE Select); coding-DNA positions 386 to 395, 10 bases deleted (ACCCTGGAGG; older notation c.386_395delACCCTGGAGG).
Protein change: p.Asp129fs; shifts the reading frame from aspartic acid 129.
Molecular consequence: frameshift variant.
Genome position (GRCh38, 1-based): chr2:240,870,671-240,870,680, ACCCTGGAGG deleted; deleting any 10 consecutive bases within chr2:240,870,668-240,870,680 gives the same sequence; the c. name uses the placement nearest the transcript's 3' end. VCF-style (leftmost placement, unchanged base first): chr2-240870667-AAGGACCCTGG-A. GRCh37 (hg19) VCF-style: chr2-241810084-AAGGACCCTGG-A.
Other names: short protein forms D129fs.
Identifiers: ClinVar variation 2584994 (VCV002584994.1), dbSNP rs2528742910, ClinGen allele CA2582342834.
Genomic context (GRCh38, chr2:240,870,667, plus strand): 5'-TGCGGGACACTCACGGCCCACTCTGTCCTGCACCCAGGAGCCCGAGTGCACCCGATGACC[AAGGACCCTGG>A]AGGCCACTACACACTGCAGGAGGTGGAGGAGGTAGGGGACCCGGGGTGGGGGTCAGGGCC-3'